The following is an entry in ClinVar:

Conditions:
Breast-ovarian cancer, familial, susceptibility to, 1 (BROVCA1). Also called: BRCA1 Hereditary Breast and Ovarian Cancer; OVARIAN CANCER, SUSCEPTIBILITY TO. Identifiers: Orphanet 145, MedGen C2676676, MONDO:0011450, OMIM 604370. Disease mechanism: loss of function.

Submission:

Brotman Baty Institute, University of Washington
No classification provided (evidence only). Condition: Breast-ovarian cancer, familial 1. Review status: no classification provided. Collection method: in vitro. Allele origin: not applicable. Functional consequence: functionally_abnormal.
ClinVar note: "not provided" was previously submitted as the classification for the variant. However, the classification appeared to be based only on an observation of functional data so it was converted to no classification on 2025-07-30.

NM_007294.4(BRCA1):c.5063T>A (p.Val1688Asp)

Gene: BRCA1 (BRCA1 DNA repair associated; minus strand). Cytogenetic location: 17q21.31.
Variant type: single nucleotide variant.
Coding change: c.5063T>A on transcript NM_007294.4 (MANE Select); coding-DNA position 5063, T replaced by A.
Protein change: p.Val1688Asp; replaces valine 1688 with aspartic acid.
Molecular consequence: missense variant. On other transcripts: non-coding transcript variant (1).
Genome position (GRCh38, 1-based): chr17:43,067,619, A>T on the plus strand (T>A on the coding strand, the complement: BRCA1 is on the minus strand). VCF-style: chr17-43067619-A-T. GRCh37 (hg19) VCF-style: chr17-41219636-A-T.
Other names: c.4850T>A, p.Val1617Asp (NM_001407571.1, NM_001407894.1, NM_001407895.1 and 12 more transcripts); c.5129T>A, p.Val1710Asp (NM_001407581.1, NM_001407582.1); c.5126T>A, p.Val1709Asp (NM_001407583.1, NM_001407585.1, NM_001407587.1 and 1 more transcripts); c.5123T>A, p.Val1708Asp (NM_001407590.1, NM_001407591.1); c.5063T>A, p.Val1688Asp (NM_001407593.1, NM_001407594.1, NM_001407596.1 and 8 more transcripts); c.5060T>A, p.Val1687Asp (NM_001407610.1, NM_001407611.1, NM_001407622.1 and 17 more transcripts); c.5057T>A, p.Val1686Asp (NM_001407627.1, NM_001407628.1, NM_001407629.1 and 14 more transcripts); c.5054T>A, p.Val1685Asp (NM_001407644.1, NM_001407645.1); and 70 more; short protein forms V584D, V1641D, V1688D, V1709D, V1519D, V1534D, V1561D, V1599D.
Identifiers: ClinVar variation 868977 (VCV000868977.3), dbSNP rs1597825664, ClinGen allele CA10591394.